The following is an entry in ClinVar:

NM_000492.4(CFTR):c.*82G>A

Gene: CFTR (CF transmembrane conductance regulator; plus strand). Cytogenetic location: 7q31.2.
Variant type: single nucleotide variant.
Coding change: c.*82G>A on transcript NM_000492.4 (MANE Select); 82 bases downstream of the stop codon, G replaced by A.
Molecular consequence: 3 prime UTR variant.
Genome position (GRCh38, 1-based): chr7:117,667,190, G>A. VCF-style: chr7-117667190-G-A. GRCh37 (hg19) VCF-style: chr7-117307244-G-A.
Identifiers: ClinVar variation 3076089 (VCV003076089.1), dbSNP rs975784558, ClinGen allele CA164962229.
Genomic context (GRCh38, chr7:117,667,190, plus strand): 5'-TGGGACATTTGCTCATGGAATTGGAGCTCGTGGGACAGTCACCTCATGGAATTGGAGCTC[G>A]TGGAACAGTTACCTCTGCCTCAGAAAACAAGGATGAATTAAGTTTTTTTTTAAAAAAGAA-3'

ClinVar aggregate classification (germline): Uncertain significance (1 of 4 stars; one submission).

Conditions:
Cystic fibrosis (CF). Also called: MUCOVISCIDOSIS. Identifiers: Orphanet 586, MedGen C0010674, MONDO:0009061, OMIM 219700. Disease mechanism: loss of function.

Allele frequency attached by ClinVar (database versions not stated): gnomAD 0.00001; gnomAD exomes 0.00001; TOPMed 0.00003.
gnomAD v4.1: 18 of 1,238,256 alleles (0.0015%); highest among the groups gnomAD compares: Middle Eastern, 0.023%; no homozygotes.

Submission:

Ambry Genetics
Classification: Uncertain significance for Cystic fibrosis. Last evaluated: 2014-07-22. Review status: criteria provided, single submitter. Criteria: Ambry Variant Classification Scheme 2023. Collection method: clinical testing. Allele origin: germline.
Comment: Based on insufficient or conflicting evidence, the clinical significance of this alteration remains unclear.